The following is an entry in ClinVar:

NM_001161352.2(KCNMA1):c.144TTC[3] (p.Ser60del)

Gene: KCNMA1 (potassium calcium-activated channel subfamily M alpha 1; minus strand). Cytogenetic location: 10q22.3.
Variant type: Microsatellite.
Coding change: c.144TTC[3] on transcript NM_001161352.2 (MANE Select); three copies in a row of the 3-base unit TTC starting at c.144; the reference has four copies in a row; one copy, 3 bases deleted.
Protein change: p.Ser60del; deletes serine 60.
Molecular consequence: inframe deletion.
Genome position (GRCh38, 1-based): chr10:77,637,488-77,637,490, GAA deleted on the plus strand (TTC on the coding strand, the reverse complement: KCNMA1 is on the minus strand); deleting any 3 consecutive bases within chr10:77,637,488-77,637,501 gives the same sequence; the position shown is the placement nearest the transcript's 3' end. VCF-style (leftmost placement, unchanged base first): chr10-77637487-GGAA-G. GRCh37 (hg19) VCF-style: chr10-79397245-GGAA-G.
Other names: c.153_155del (NM_002247.3); c.144TTC[3], p.Ser60del (NM_001014797.3, NM_001161353.2, NM_001271518.2 and 12 more transcripts); short protein forms S60del.
Identifiers: ClinVar variation 193228 (VCV000193228.41), dbSNP rs751901610, ClinGen allele CA200419.
Genomic context (GRCh38, chr10:77,637,487, plus strand): 5'-CGGGATGATGAGCGCATCCATCTTGGGCTCGTGGACCGAGGACGAGGAGGAAGAGGAGGA[GGAA>G]GAAGAAGAAGAGGAAGAGGAGGAGGAGGAGGAGGAGGACGCGTCTAGGCTGAGATGGTTC-3'

ClinVar aggregate classification (germline): Benign/Likely benign. Review status: criteria provided, multiple submitters, no conflicts (2 of 4 stars). 8 submissions from 8 submitters: Benign (5); Likely benign (2). 1 of the submissions does not count toward it. Last evaluated 2026-07-01.

Conditions:
KCNMA1-related disorder. Also called: KCNMA1-related disorders; KCNMA1-related condition.
Generalized epilepsy-paroxysmal dyskinesia syndrome (PNKD3). Also called: Paroxysmal nonkinesigenic dyskinesia, 3, with or without generalized epilepsy; Generalized epilepsy and paroxysmal dyskinesia. Identifiers: Orphanet 79137, MedGen C5574945, MONDO:0012276, OMIM 609446.

Submissions (8):

CeGaT Center for Human Genetics Tuebingen
Classification: Likely benign. Last evaluated: 2026-07-01. Review status: criteria provided, single submitter. Criteria: CeGaT Center For Human Genetics Tuebingen Variant Classification Criteria Version 2. Collection method: clinical testing. Allele origin: germline. Affected: yes. Observed: 5 variant alleles.
Comment: KCNMA1: BS1

Labcorp Genetics (formerly Invitae), Labcorp
Classification: Benign for Generalized epilepsy-paroxysmal dyskinesia syndrome. Last evaluated: 2026-01-05. Review status: criteria provided, single submitter. Criteria: Invitae Variant Classification Sherloc (09022015). Collection method: clinical testing. Allele origin: germline.

ARUP Laboratories, Molecular Genetics and Genomics, ARUP Laboratories
Classification: Benign. Last evaluated: 2023-12-19. Review status: criteria provided, single submitter. Criteria: ARUP Molecular Germline Variant Investigation Process 2024. Collection method: clinical testing. Allele origin: germline.

GeneDx
Classification: Benign. Last evaluated: 2019-01-02. Review status: criteria provided, single submitter. Criteria: GeneDx Variant Classification Process June 2021. Collection method: clinical testing. Allele origin: germline. Affected: yes.

Athena Diagnostics
Classification: Benign. Last evaluated: 2018-01-12. Review status: criteria provided, single submitter. Criteria: Athena Diagnostics Criteria. Collection method: clinical testing. Allele origin: germline.

Center for Pediatric Genomic Medicine, Children's Mercy Hospital and Clinics
Classification: Likely benign. Last evaluated: 2016-09-14. Review status: criteria provided, single submitter. Criteria: ACMG Guidelines, 2015. Collection method: clinical testing. Allele origin: germline.
ClinVar note: Converted during submission from Likely Benign to Likely benign.

Eurofins Ntd Llc (ga)
Classification: Benign. Last evaluated: 2014-08-21. Review status: criteria provided, single submitter. Criteria: EGL Classification Definitions 2015. Collection method: clinical testing. Allele origin: germline. Observed: 1 variant allele, 1 heterozygote.

PreventionGenetics, part of Exact Sciences
Classification: Likely benign for KCNMA1-related condition. Last evaluated: 2020-10-07. Review status: no assertion criteria provided. Collection method: clinical testing. Allele origin: germline. Not counted in ClinVar's aggregate classification.
Comment: This variant is classified as likely benign based on ACMG/AMP sequence variant interpretation guidelines (Richards et al. 2015 PMID: 25741868, with internal and published modifications).